The following is an entry in ClinVar:

ClinVar aggregate classification (germline): Uncertain significance. Review status: criteria provided, multiple submitters, no conflicts (2 of 4 stars). 3 submissions from 3 submitters: Uncertain significance (3). Last evaluated 2025-03-19.

Conditions:
Legius syndrome. Identifiers: Orphanet 137605, MedGen C1969623, MONDO:0012669, OMIM 611431. Disease mechanism: loss of function.
Cardiovascular phenotype. Identifiers: MedGen CN230736.

Submissions (3):

Ambry Genetics
Classification: Uncertain significance for Cardiovascular phenotype. Last evaluated: 2025-03-19. Review status: criteria provided, single submitter. Criteria: Ambry Variant Classification Scheme 2023. Collection method: clinical testing. Allele origin: germline.
Comment: The p.S105R variant (also known as c.315T>G), located in coding exon 3 of the SPRED1 gene, results from a T to G substitution at nucleotide position 315. The serine at codon 105 is replaced by arginine, an amino acid with dissimilar properties. This amino acid position is conserved. In addition, this alteration is predicted to be deleterious by in silico analysis. Based on the available evidence, the clinical significance of this variant remains unclear.

Women's Health and Genetics/Laboratory Corporation of America, LabCorp
Classification: Uncertain significance. Last evaluated: 2024-11-12. Review status: criteria provided, single submitter. Criteria: LabCorp Variant Classification Summary - May 2015. Collection method: clinical testing. Allele origin: germline.
Comment: Variant summary: SPRED1 c.315T>G (p.Ser105Arg) results in a non-conservative amino acid change located in the WH1/EVH1 domain (IPR000697) of the encoded protein sequence. Five of five in-silico tools predict a damaging effect of the variant on protein function. The variant was absent in 251156 control chromosomes. The available data on variant occurrences in the general population are insufficient to allow any conclusion about variant significance. To our knowledge, no occurrence of c.315T>G in individuals affected with Neurofibromatosis Type 1-Like Syndrome (Legius Syndrome) and no experimental evidence demonstrating its impact on protein function have been reported. ClinVar contains an entry for this variant (Variation ID: 576034). Based on the evidence outlined above, the variant was classified as uncertain significance.

Labcorp Genetics (formerly Invitae), Labcorp
Classification: Uncertain significance for Legius syndrome. Last evaluated: 2021-07-31. Review status: criteria provided, single submitter. Criteria: Invitae Variant Classification Sherloc (09022015). Collection method: clinical testing. Allele origin: germline.
Comment: This variant is not present in population databases (ExAC no frequency). In summary, the available evidence is currently insufficient to determine the role of this variant in disease. Therefore, it has been classified as a Variant of Uncertain Significance. Algorithms developed to predict the effect of missense changes on protein structure and function do not agree on the potential impact of this missense change (SIFT: "Deleterious"; PolyPhen-2: "Probably Damaging"; Align-GVGD: "Class C15"). This variant has not been reported in the literature in individuals with SPRED1-related disease. This sequence change replaces serine with arginine at codon 105 of the SPRED1 protein (p.Ser105Arg). The serine residue is highly conserved and there is a moderate physicochemical difference between serine and arginine.

NM_152594.3(SPRED1):c.315T>G (p.Ser105Arg)

Gene: SPRED1 (sprouty related EVH1 domain containing 1; plus strand). Cytogenetic location: 15q14.
Variant type: single nucleotide variant.
Coding change: c.315T>G on transcript NM_152594.3 (MANE Select); coding-DNA position 315, T replaced by G.
Protein change: p.Ser105Arg; replaces serine 105 with arginine.
Molecular consequence: missense variant.
Genome position (GRCh38, 1-based): chr15:38,322,348, T>G. VCF-style: chr15-38322348-T-G. GRCh37 (hg19) VCF-style: chr15-38614549-T-G.
Other names: short protein forms S105R.
Identifiers: ClinVar variation 576034 (VCV000576034.11), dbSNP rs1566867263, ClinGen allele CA391932131.